The following is an entry in ClinVar:

NM_002408.4(MGAT2):c.842A>C (p.Gln281Pro)

Gene: MGAT2 (alpha-1,6-mannosyl-glycoprotein 2-beta-N-acetylglucosaminyltransferase; plus strand). Cytogenetic location: 14q21.3.
Variant type: single nucleotide variant.
Coding change: c.842A>C on transcript NM_002408.4 (MANE Select); coding-DNA position 842, A replaced by C.
Protein change: p.Gln281Pro; replaces glutamine 281 with proline.
Molecular consequence: missense variant.
Genome position (GRCh38, 1-based): chr14:49,622,110, A>C. VCF-style: chr14-49622110-A-C. GRCh37 (hg19) VCF-style: chr14-50088828-A-C.
Other names: c.842A>C (NM_002408.3); short protein forms Q281P.
Identifiers: ClinVar variation 2770358 (VCV002770358.4), dbSNP rs950684011, ClinGen allele CA389620700.
Genomic context (GRCh38, chr14:49,622,110, plus strand): 5'-ATCACTACTTAGCCCCAGACTTTTACCATGTCTTCAAAAAGATGTGGAAACTGAAGCAGC[A>C]AGAGTGCCCTGAATGTGATGTTCTCTCCCTGGGGACCTATAGTGCCAGTCGCAGTTTCTA-3'
Protein context (NP_002399.1, residues 271-291): VFKKMWKLKQ[Gln281Pro]ECPECDVLSL

ClinVar aggregate classification (germline): Uncertain significance. Review status: criteria provided, multiple submitters, no conflicts (2 of 4 stars). 2 submissions from 2 submitters: Uncertain significance (2). Last evaluated 2025-06-24.

Conditions:
Inborn genetic diseases. Identifiers: MedGen C0950123, MeSH D030342.
MGAT2-congenital disorder of glycosylation. Also called: Congenital disorder of glycosylation, type IIa; MGAT2-CDG; MENTAL RETARDATION, GROWTH RETARDATION, PROMINENT COLUMELLA, AND OPEN MOUTH; Alkuraya syndrome; CDG IIa. Identifiers: Orphanet 79329, MedGen C2931008, MONDO:0008908, OMIM 212066.

Submissions (2):

Ambry Genetics
Classification: Uncertain significance for Inborn genetic diseases. Last evaluated: 2025-06-24. Review status: criteria provided, single submitter. Criteria: Ambry Variant Classification Scheme 2023. Collection method: clinical testing. Allele origin: germline.

Labcorp Genetics (formerly Invitae), Labcorp
Classification: Uncertain significance for MGAT2-congenital disorder of glycosylation. Last evaluated: 2024-01-10. Review status: criteria provided, single submitter. Criteria: Invitae Variant Classification Sherloc (09022015). Collection method: clinical testing. Allele origin: germline.
Comment: This sequence change replaces glutamine, which is neutral and polar, with proline, which is neutral and non-polar, at codon 281 of the MGAT2 protein (p.Gln281Pro). This variant is not present in population databases (gnomAD no frequency). This variant has not been reported in the literature in individuals affected with MGAT2-related conditions. Advanced modeling of protein sequence and biophysical properties (such as structural, functional, and spatial information, amino acid conservation, physicochemical variation, residue mobility, and thermodynamic stability) performed at Invitae indicates that this missense variant is not expected to disrupt MGAT2 protein function with a negative predictive value of 80%. In summary, the available evidence is currently insufficient to determine the role of this variant in disease. Therefore, it has been classified as a Variant of Uncertain Significance.